The following is an entry in ClinVar:

NM_000254.3(MTR):c.1549A>T (p.Thr517Ser)

Gene: MTR (5-methyltetrahydrofolate-homocysteine methyltransferase; plus strand). Cytogenetic location: 1q43.
Variant type: single nucleotide variant.
Coding change: c.1549A>T on transcript NM_000254.3 (MANE Select); coding-DNA position 1549, A replaced by T.
Protein change: p.Thr517Ser; replaces threonine 517 with serine.
Molecular consequence: missense variant.
Genome position (GRCh38, 1-based): chr1:236,850,377, A>T. VCF-style: chr1-236850377-A-T. GRCh37 (hg19) VCF-style: chr1-237013677-A-T.
Other names: c.1549A>T, p.Thr517Ser (NM_001291939.1, NM_001410942.1); c.328A>T, p.Thr110Ser (NM_001291940.2); short protein forms T110S, T517S.
Identifiers: ClinVar variation 2135946 (VCV002135946.4), dbSNP rs752846930, ClinGen allele CA345373853.
Genomic context (GRCh38, chr1:236,850,377, plus strand): 5'-AACTACATCTTTTGCTCTTTTCCCTAGGCAACAGAAACAGACACAAAAATCAGAGTGTGC[A>T]CCCGGGCCTACCATCTGCTTGTGAAAAAACTGGGCTTTAATCCAAATGACATTATTTTTG-3'
Protein context (NP_000245.2, residues 507-527): TETDTKIRVC[Thr517Ser]RAYHLLVKKL

ClinVar aggregate classification (germline): Uncertain significance (1 of 4 stars; one submission).

Conditions:
Methylcobalamin deficiency type cblG (HMAG). Also called: Functional methionine synthase deficiency type cblG; HOMOCYSTINURIA-MEGALOBLASTIC ANEMIA, cblG TYPE; HOMOCYSTINURIA-MEGALOBLASTIC ANEMIA DUE TO DEFECT IN COBALAMIN METABOLISM, cblG COMPLEMENTATION TYPE; HOMOCYSTINURIA-MEGALOBLASTIC ANEMIA, cblG COMPLEMENTATION TYPE. Identifiers: Orphanet 2170, Orphanet 622, MedGen C1855128, MONDO:0009609, OMIM 250940.

Allele frequency attached by ClinVar (database versions not stated): gnomAD exomes below 0.00001.
gnomAD v4.1: 1 of 1,613,800 alleles (0.000062%); highest among the groups gnomAD compares: Non-Finnish European, 0.000085%; no homozygotes.

Submission:

Labcorp Genetics (formerly Invitae), Labcorp
Classification: Uncertain significance for Methylcobalamin deficiency type cblG. Last evaluated: 2024-04-08. Review status: criteria provided, single submitter. Criteria: Invitae Variant Classification Sherloc (09022015). Collection method: clinical testing. Allele origin: germline.
Comment: This sequence change replaces threonine, which is neutral and polar, with serine, which is neutral and polar, at codon 517 of the MTR protein (p.Thr517Ser). This variant is not present in population databases (gnomAD no frequency). This variant has not been reported in the literature in individuals affected with MTR-related conditions. ClinVar contains an entry for this variant (Variation ID: 2135946). Advanced modeling of protein sequence and biophysical properties (such as structural, functional, and spatial information, amino acid conservation, physicochemical variation, residue mobility, and thermodynamic stability) performed at Invitae indicates that this missense variant is not expected to disrupt MTR protein function with a negative predictive value of 80%. In summary, the available evidence is currently insufficient to determine the role of this variant in disease. Therefore, it has been classified as a Variant of Uncertain Significance.